The following is an entry in ClinVar:

NM_001105562.3(UBE4B):c.1866T>C (p.Thr622=)

Gene: UBE4B (ubiquitination factor E4B; plus strand). Cytogenetic location: 1p36.22.
Variant type: single nucleotide variant.
Coding change: c.1866T>C on transcript NM_001105562.3 (MANE Select); coding-DNA position 1866, T replaced by C.
Protein change: p.Thr622=; no amino-acid change (threonine 622 retained).
Molecular consequence: synonymous variant.
Genome position (GRCh38, 1-based): chr1:10,130,768, T>C. VCF-style: chr1-10130768-T-C. GRCh37 (hg19) VCF-style: chr1-10190826-T-C.
Other names: c.2019T>C, p.Thr673= (NM_001410744.1); c.1479T>C, p.Thr493= (NM_006048.5).
Identifiers: ClinVar variation 2638196 (VCV002638196.24), dbSNP rs2522896370, ClinGen allele CA416033925.

ClinVar aggregate classification (germline): Likely benign (1 of 4 stars; one submission).

Submission:

CeGaT Center for Human Genetics Tuebingen
Classification: Likely benign. Last evaluated: 2023-04-01. Review status: criteria provided, single submitter. Criteria: CeGaT Center For Human Genetics Tuebingen Variant Classification Criteria Version 2. Collection method: clinical testing. Allele origin: germline. Affected: yes. Observed: 1 variant allele.
Comment: UBE4B: PM2:Supporting, BP4, BP7